The following is an entry in ClinVar:

ClinVar aggregate classification (germline): Likely benign (0 of 4 stars; one submission).

Conditions:
PAX3-related disorder. Also called: PAX3-related condition.

Allele frequency attached by ClinVar (database versions not stated): gnomAD exomes 0.00002; gnomAD 0.00003; ExAC 0.00006; ESP Exome Variant Server 0.00008; 1000 Genomes Project 30x 0.00016; 1000 Genomes Project 0.00020.
gnomAD v4.1: 31 of 1,613,980 alleles (0.0019%); highest among the groups gnomAD compares: East Asian, 0.045%; no homozygotes.

Submission:

PreventionGenetics, part of Exact Sciences
Classification: Likely benign for PAX3-related condition. Last evaluated: 2023-07-18. Review status: no assertion criteria provided. Collection method: clinical testing. Allele origin: germline.
Comment: This variant is classified as likely benign based on ACMG/AMP sequence variant interpretation guidelines (Richards et al. 2015 PMID: 25741868, with internal and published modifications).

NM_181458.4(PAX3):c.768G>A (p.Ala256=)

Gene: PAX3 (paired box 3; minus strand). Cytogenetic location: 2q36.1.
Variant type: single nucleotide variant.
Coding change: c.768G>A on transcript NM_181458.4 (MANE Select); coding-DNA position 768, G replaced by A.
Protein change: p.Ala256=; no amino-acid change (alanine 256 retained).
Molecular consequence: synonymous variant.
Genome position (GRCh38, 1-based): chr2:222,232,102, C>T on the plus strand (G>A on the coding strand, the complement: PAX3 is on the minus strand). VCF-style: chr2-222232102-C-T. GRCh37 (hg19) VCF-style: chr2-223096821-C-T.
Other names: c.765G>A, p.Ala255= (NM_001127366.3); c.768G>A, p.Ala256= (NM_181457.4, NM_181459.4, NM_181460.4 and 1 more transcripts).
Identifiers: ClinVar variation 3036489 (VCV003036489.2), dbSNP rs369433426, ClinGen allele CA2135587.